The following is an entry in ClinVar:

ClinVar aggregate classification (germline): Uncertain significance (1 of 4 stars; one submission).

Conditions:
Fanconi anemia (FA). Also called: Fanconi's anemia. Identifiers: Orphanet 84, MedGen C0015625, MeSH D005199, MONDO:0019391.

Allele frequency attached by ClinVar (database versions not stated): gnomAD exomes below 0.00001; ExAC 0.00001.

Submission:

Labcorp Genetics (formerly Invitae), Labcorp
Classification: Uncertain significance for Fanconi anemia. Last evaluated: 2016-04-11. Review status: criteria provided, single submitter. Criteria: Invitae Variant Classification Sherloc (09022015). Collection method: clinical testing. Allele origin: germline.
Comment: Nucleotide substitutions at the +5 position of the intron are relatively common causes of aberrant splicing (PMID: 17576681) but according to multiple splice site algorithms this particular variant is not predicted to significantly affect splicing. These predictions have not been confirmed by published functional studies. This variant is present in population databases (rs748961871, ExAC 0.006%) but has not been reported in the literature in individuals with a FANCG-related disease. This variant affects a highly conserved nucleotide within the consensus splice site of intron 12. The majority of introns (75%) have a G nucleotide at this position (PMID: 9536098). In summary, this is a rare intronic change with uncertain impact on splicing. It has been classified as a Variant of Uncertain Significance.

Literature cited by the submitters: PubMed 17576681; PubMed 9536098.

NM_004629.2(FANCG):c.1636+5G>A

Gene: FANCG (FA complementation group G; minus strand). Cytogenetic location: 9p13.3.
Variant type: single nucleotide variant.
Coding change: c.1636+5G>A on transcript NM_004629.2 (MANE Select); 5 bases into the intron after coding-DNA position 1636, G replaced by A.
Molecular consequence: intron variant.
Genome position (GRCh38, 1-based): chr9:35,074,922, C>T on the plus strand (G>A on the coding strand, the complement: FANCG is on the minus strand). VCF-style: chr9-35074922-C-T. GRCh37 (hg19) VCF-style: chr9-35074919-C-T.
Identifiers: ClinVar variation 408136 (VCV000408136.6), dbSNP rs748961871, ClinGen allele CA5039684.